The following is an entry in ClinVar:

NC_000012.11:g.(?_122958044)_(122985387_?)del

Gene: ZCCHC8 (zinc finger CCHC-type containing 8; minus strand). Cytogenetic location: 12q24.31.
Variant type: Deletion.
Identifiers: ClinVar variation 3244427 (VCV003244427.1).

ClinVar aggregate classification (germline): Uncertain significance (1 of 4 stars; one submission).

Submission:

Labcorp Genetics (formerly Invitae), Labcorp
Classification: Uncertain significance. Last evaluated: 2023-11-04. Review status: criteria provided, single submitter. Criteria: Invitae Variant Classification Sherloc (09022015). Collection method: clinical testing. Allele origin: unknown.
Comment: A gross deletion of the genomic region encompassing the full coding sequence of the ZCCHC8 gene has been identified. The current clinical and genetic evidence is not sufficient to establish whether loss-of-function variants in ZCCHC8 cause disease. The boundaries of this event are unknown as they extend beyond the assayed region for this gene and therefore may encompass additional genes. This variant has not been reported in the literature in individuals affected with ZCCHC8-related conditions. In summary, the available evidence is currently insufficient to determine the role of this variant in disease. Therefore, it has been classified as a Variant of Uncertain Significance.